The following is an entry in ClinVar:

NM_002495.4(NDUFS4):c.73C>T (p.Leu25Phe)

Genes: NDUFS4 (NADH:ubiquinone oxidoreductase subunit S4; plus strand), LOC129993885 (ATAC-STARR-seq lymphoblastoid active region 22547; plus strand). Cytogenetic location: 5q11.2.
Variant type: single nucleotide variant.
Coding change: c.73C>T on transcript NM_002495.4 (MANE Select); coding-DNA position 73, C replaced by T.
Protein change: p.Leu25Phe; replaces leucine 25 with phenylalanine.
Molecular consequence: missense variant. On other transcripts: non-coding transcript variant (3).
Genome position (GRCh38, 1-based): chr5:53,560,735, C>T. VCF-style: chr5-53560735-C-T. GRCh37 (hg19) VCF-style: chr5-52856565-C-T.
Other names: c.73C>T, p.Leu25Phe (NM_001318051.2); short protein forms L25F.
Identifiers: ClinVar variation 1028024 (VCV001028024.1), dbSNP rs776441221, ClinGen allele CA3264144.

ClinVar aggregate classification (germline): Uncertain significance (1 of 4 stars; one submission).

Conditions:
Leigh syndrome (NULS). Also called: Leigh's syndrome; Leigh Disease; Subacute necrotizing encephalopathy; Necrotizing encephalopathy infantile subacute of Leigh; LEIGH SYNDROME, NUCLEAR; Leigh Syndrome (mtDNA deletion). Identifiers: Orphanet 506, MedGen C2931891, MONDO:0009723, OMIM 256000.

Allele frequency attached by ClinVar (database versions not stated): gnomAD exomes below 0.00001; ExAC 0.00001; gnomAD 0.00001; TOPMed 0.00001.
gnomAD v4.1: 2 of 1,614,120 alleles (0.00012%); highest among the groups gnomAD compares: Admixed American, 0.0033%; no homozygotes.

Submission:

Baylor Genetics
Classification: Uncertain significance for Leigh syndrome. Last evaluated: 2019-02-22. Review status: criteria provided, single submitter. Criteria: ACMG Guidelines, 2015. Collection method: clinical testing. Allele origin: maternal. Affected: yes.
Comment: This variant was determined to be of uncertain significance according to ACMG Guidelines, 2015 [PMID:25741868].